The following is an entry in ClinVar:

NM_014319.5(LEMD3):c.325C>T (p.Arg109Ter)

Genes: LEMD3 (LEM domain containing 3; plus strand), LOC130008224 (ATAC-STARR-seq lymphoblastoid silent region 4630; plus strand). Cytogenetic location: 12q14.3.
Variant type: single nucleotide variant.
Coding change: c.325C>T on transcript NM_014319.5 (MANE Select); coding-DNA position 325, C replaced by T.
Protein change: p.Arg109Ter; replaces arginine 109 with a stop codon.
Molecular consequence: nonsense.
Genome position (GRCh38, 1-based): chr12:65,169,921, C>T. VCF-style: chr12-65169921-C-T. GRCh37 (hg19) VCF-style: chr12-65563701-C-T.
Other names: c.325C>T, p.Arg109Ter (NM_001167614.2); short protein forms R109*.
Identifiers: ClinVar variation 4988193 (VCV004988193.1).

ClinVar aggregate classification (germline): Uncertain significance (1 of 4 stars; one submission).

Conditions:
LEMD3-related disorder. Also called: LEMD3-related condition.

gnomAD v4.1: 1 of 1,447,674 alleles (0.000069%); highest among the groups gnomAD compares: South Asian, 0.0015%; no homozygotes.

Submission:

PreventionGenetics, part of Exact Sciences
Classification: Uncertain significance for LEMD3-related condition. Last evaluated: 2024-12-03. Review status: criteria provided, single submitter. Criteria: ACMG Guidelines, 2015. Collection method: clinical testing. Allele origin: germline.
Comment: The LEMD3 c.325C>T variant is predicted to result in premature protein termination (p.Arg109*). To our knowledge, this variant has not been reported in the literature or in a large population database (gnomAD), indicating this variant is rare. Although we suspect that this variant may be pathogenic, at this time, the clinical significance of this variant is uncertain due to the absence of conclusive functional and genetic evidence.